The following is an entry in ClinVar:

NM_001083116.3(PRF1):c.836G>A (p.Cys279Tyr)

Gene: PRF1 (perforin 1; minus strand). Cytogenetic location: 10q22.1.
Variant type: single nucleotide variant.
Coding change: c.836G>A on transcript NM_001083116.3 (MANE Select); coding-DNA position 836, G replaced by A.
Protein change: p.Cys279Tyr; replaces cysteine 279 with tyrosine.
Molecular consequence: missense variant.
Genome position (GRCh38, 1-based): chr10:70,598,885, C>T on the plus strand (G>A on the coding strand, the complement: PRF1 is on the minus strand). VCF-style: chr10-70598885-C-T. GRCh37 (hg19) VCF-style: chr10-72358641-C-T.
Other names: c.836G>A, p.Cys279Tyr (NM_005041.6); short protein forms C279Y.
Identifiers: ClinVar variation 13714 (VCV000013714.7), dbSNP rs104894182, ClinGen allele CA256947.

ClinVar aggregate classification (germline): Pathogenic/Likely pathogenic. Review status: criteria provided, multiple submitters, no conflicts (2 of 4 stars). 4 submissions from 4 submitters: Pathogenic (1); Likely pathogenic (2). 1 of the submissions does not count toward it. Last evaluated 2024-12-26.

Conditions:
Familial hemophagocytic lymphohistiocytosis (FHL). Also called: Hereditary hemophagocytic lymphohistiocytosis; Familial erythrophagocytic lymphohistiocytosis; Familial histiocytic reticulosis. Identifiers: Orphanet 158038, Orphanet 540, MedGen C0272199, MONDO:0015541.
Familial hemophagocytic lymphohistiocytosis 2 (FHL2). Also called: PRF1-Related Familial Hemophagocytic Lymphohistiocytosis (PRF1-fHLH). Identifiers: Orphanet 540, MedGen C1863727, MONDO:0011337, OMIM 603553.
Aplastic anemia. Identifiers: Orphanet 182040, Orphanet 88, MedGen C0002874, MONDO:0015909, OMIM 609135, HP:0001915.

Allele frequency attached by ClinVar (database versions not stated): gnomAD exomes 0.00002 and 0.00001; ExAC 0.00003.

Submissions (4):

Women's Health and Genetics/Laboratory Corporation of America, LabCorp
Classification: Likely pathogenic for Familial hemophagocytic lymphohistiocytosis. Last evaluated: 2024-12-26. Review status: criteria provided, single submitter. Criteria: LabCorp Variant Classification Summary - May 2015. Collection method: clinical testing. Allele origin: germline.
Comment: Variant summary: PRF1 c.836G>A (p.Cys279Tyr) results in a non-conservative amino acid change in the encoded protein sequence. Five of five in-silico tools predict a damaging effect of the variant on protein function. The variant allele was found at a frequency of 2e-05 in 251430 control chromosomes (gnomAD). c.836G>A has been reported in the literature in individuals affected with Familial Hemophagocytic Lymphohistiocytosis (e.g. Stepp_1999, Zhang_2007). These data indicate that the variant may be associated with disease. At least one publication reports experimental evidence evaluating an impact on protein function. The most pronounced variant effect results in <10% of normal activity (Voskoboinik_2005). The following publications have been ascertained in the context of this evaluation (PMID: 10583959, 17627755, 15755897). ClinVar contains an entry for this variant (Variation ID: 13714). Based on the evidence outlined above, the variant was classified as likely pathogenic.

Labcorp Genetics (formerly Invitae), Labcorp
Classification: Pathogenic for Familial hemophagocytic lymphohistiocytosis 2. Last evaluated: 2023-09-08. Review status: criteria provided, single submitter. Criteria: Invitae Variant Classification Sherloc (09022015). Collection method: clinical testing. Allele origin: germline.
Comment: ClinVar contains an entry for this variant (Variation ID: 13714). This missense change has been observed in individual(s) with hemophagocytic lymphohistiocytosis (PMID: 10583959, 12060139, 17627755; Invitae). In at least one individual the data is consistent with being in trans (on the opposite chromosome) from a pathogenic variant. This variant is present in population databases (rs104894182, gnomAD 0.004%). This sequence change replaces cysteine, which is neutral and slightly polar, with tyrosine, which is neutral and polar, at codon 279 of the PRF1 protein (p.Cys279Tyr). Advanced modeling of protein sequence and biophysical properties (such as structural, functional, and spatial information, amino acid conservation, physicochemical variation, residue mobility, and thermodynamic stability) has been performed at Invitae for this missense variant, however the output from this modeling did not meet the statistical confidence thresholds required to predict the impact of this variant on PRF1 protein function. For these reasons, this variant has been classified as Pathogenic. Experimental studies have shown that this missense change affects PRF1 function (PMID: 15755897).

Baylor Genetics
Classification: Likely pathogenic for Aplastic anemia. Last evaluated: 2023-07-06. Review status: criteria provided, single submitter. Criteria: ACMG Guidelines, 2015. Collection method: clinical testing. Allele origin: unknown.

OMIM
Classification: Pathogenic for HEMOPHAGOCYTIC LYMPHOHISTIOCYTOSIS, FAMILIAL, 2. Last evaluated: 1999-12-03. Review status: no assertion criteria provided. Collection method: literature only. Allele origin: germline. Not counted in ClinVar's aggregate classification.

Literature cited by the submitters: PubMed 15755897 (cited by Women's Health and Genetics/Laboratory Corporation of America, LabCorp and Labcorp Genetics (formerly Invitae), Labcorp); PubMed 10583959 (cited by 3 submitters); PubMed 17627755 (cited by Women's Health and Genetics/Laboratory Corporation of America, LabCorp and Labcorp Genetics (formerly Invitae), Labcorp); PubMed 12060139 (cited by Labcorp Genetics (formerly Invitae), Labcorp).